The following is an entry in ClinVar:

NM_016525.5(UBAP1):c.1071T>A (p.Asn357Lys)

Gene: UBAP1 (ubiquitin associated protein 1; plus strand). Cytogenetic location: 9p13.3.
Variant type: single nucleotide variant.
Coding change: c.1071T>A on transcript NM_016525.5 (MANE Select); coding-DNA position 1071, T replaced by A.
Protein change: p.Asn357Lys; replaces asparagine 357 with lysine.
Molecular consequence: missense variant. On other transcripts: non-coding transcript variant (1).
Genome position (GRCh38, 1-based): chr9:34,242,096, T>A. VCF-style: chr9-34242096-T-A. GRCh37 (hg19) VCF-style: chr9-34242094-T-A.
Other names: p.Asn421Lys; c.1263T>A, p.Asn421Lys (NM_001171201.1); c.1179T>A, p.Asn393Lys (NM_001171202.1); c.1071T>A, p.Asn357Lys (NM_001171203.3, NM_001171204.3); short protein forms N357K, N393K, N421K.
Identifiers: ClinVar variation 1279780 (VCV001279780.5), dbSNP rs16935457, ClinGen allele CA5031428.

ClinVar aggregate classification (germline): Benign. Review status: criteria provided, multiple submitters, no conflicts (2 of 4 stars). 4 submissions from 4 submitters: Benign (3). 1 of the submissions does not count toward it. Last evaluated 2025-01-24.

Conditions:
UBAP1-related disorder. Also called: UBAP1-related condition.

Allele frequency attached by ClinVar (database versions not stated): ExAC 0.01278; gnomAD exomes 0.01398 and 0.00494; gnomAD 0.00786 and 0.00669; 1000 Genomes Project 0.02157; TOPMed 0.00629; ESP Exome Variant Server 0.00085; 1000 Genomes Project 30x 0.02139.
gnomAD v4.1: 8,552 of 1,594,842 alleles (0.54%); highest among the groups gnomAD compares: East Asian, 11%; 305 homozygotes.

Submissions (4):

Mayo Clinic Laboratories, Mayo Clinic
Classification: Benign. Last evaluated: 2025-01-24. Review status: criteria provided, single submitter. Criteria: ACMG Guidelines, 2015. Collection method: clinical testing. Allele origin: germline. Observed: 1 variant allele.

GeneDx
Classification: Benign. Last evaluated: 2021-05-05. Review status: criteria provided, single submitter. Criteria: GeneDx Variant Classification Process June 2021. Collection method: clinical testing. Allele origin: germline. Affected: yes.

Breakthrough Genomics
Classification: Benign. Review status: criteria provided, single submitter. Criteria: ACMG Guidelines, 2015. Collection method: not provided. Allele origin: germline. Inheritance: Autosomal dominant inheritance. Affected: yes.

PreventionGenetics, part of Exact Sciences
Classification: Benign for UBAP1-related condition. Last evaluated: 2019-12-24. Review status: no assertion criteria provided. Collection method: clinical testing. Allele origin: germline. Not counted in ClinVar's aggregate classification.
Comment: This variant is classified as benign based on ACMG/AMP sequence variant interpretation guidelines (Richards et al. 2015 PMID: 25741868, with internal and published modifications).